The following is an entry in ClinVar:

NM_005245.4(FAT1):c.8524G>A (p.Gly2842Ser)

Genes: FAT1 (FAT atypical cadherin 1; minus strand), LOC126807255 (BRD4-independent group 4 enhancer GRCh37_chr4:187538202-187539401; plus strand). Cytogenetic location: 4q35.2.
Variant type: single nucleotide variant.
Coding change: c.8524G>A on transcript NM_005245.4 (MANE Select); coding-DNA position 8524, G replaced by A.
Protein change: p.Gly2842Ser; replaces glycine 2842 with serine.
Molecular consequence: missense variant.
Genome position (GRCh38, 1-based): chr4:186,618,062, C>T on the plus strand (G>A on the coding strand, the complement: FAT1 is on the minus strand). VCF-style: chr4-186618062-C-T. GRCh37 (hg19) VCF-style: chr4-187539216-C-T.
Other names: short protein forms G2842S.
Identifiers: ClinVar variation 1800804 (VCV001800804.8), dbSNP rs149417595, ClinGen allele CA3165868.
Genomic context (GRCh38, chr4:186,618,062, plus strand): 5'-TGGCAAAGGATTCAATGACTTCCACACTTTGTGACTGATCCAGGCTATACATAACTTGGC[C>T]GTTGGTTCCTGAGTCAGCATCAGATGCCCTGATCTGAATTACTCTACTTCCCCCTGGCAG-3'
Protein context (NP_005236.2, residues 2832-2852): RASDADSGTN[Gly2842Ser]QVMYSLDQSQ

ClinVar aggregate classification (germline): Conflicting classifications of pathogenicity. Review status: criteria provided, conflicting classifications (1 of 4 stars). 3 submissions from 3 submitters: Uncertain significance (1); Likely benign (2). Last evaluated 2025-12-25.

Conditions:
Inborn genetic diseases. Identifiers: MedGen C0950123, MeSH D030342.

Allele frequency attached by ClinVar (database versions not stated): gnomAD exomes 0.00004; 1000 Genomes Project 30x 0.00078; ESP Exome Variant Server 0.00057; gnomAD 0.00067; ExAC 0.00017; 1000 Genomes Project 0.00060; TOPMed 0.00065.
gnomAD v4.1: 171 of 1,613,960 alleles (0.011%); highest among the groups gnomAD compares: African/African-American, 0.21%; no homozygotes.

Submissions (3):

Labcorp Genetics (formerly Invitae), Labcorp
Classification: Likely benign. Last evaluated: 2025-12-25. Review status: criteria provided, single submitter. Criteria: Invitae Variant Classification Sherloc (09022015). Collection method: clinical testing. Allele origin: germline.

GeneDx
Classification: Uncertain significance. Last evaluated: 2024-07-10. Review status: criteria provided, single submitter. Criteria: GeneDx Variant Classification Process June 2021. Collection method: clinical testing. Allele origin: germline.
Comment: In silico analysis supports that this missense variant has a deleterious effect on protein structure/function; Has not been previously published as pathogenic or benign to our knowledge

Ambry Genetics
Classification: Likely benign for Inborn genetic diseases. Last evaluated: 2023-10-05. Review status: criteria provided, single submitter. Criteria: Ambry Variant Classification Scheme 2023. Collection method: clinical testing. Allele origin: germline.